The following is an entry in ClinVar:

ClinVar aggregate classification (germline): Uncertain significance (1 of 4 stars; one submission).

Conditions:
Cardiovascular phenotype. Identifiers: MedGen CN230736.

Submission:

Ambry Genetics
Classification: Uncertain significance for Cardiovascular phenotype. Last evaluated: 2024-12-06. Review status: criteria provided, single submitter. Criteria: Ambry Variant Classification Scheme 2023. Collection method: clinical testing. Allele origin: germline.
Comment: The c.655-3C>G intronic variant results from a C to G substitution 3 nucleotides upstream from coding exon 6 in the MYBPC3 gene. This nucleotide position is highly conserved in available vertebrate species. In silico splice site analysis predicts that this alteration will weaken the native splice acceptor site and will result in the creation or strengthening of a novel splice acceptor site. Based on the available evidence, the clinical significance of this variant remains unclear.

NM_000256.3(MYBPC3):c.655-3C>G

Gene: MYBPC3 (myosin binding protein C3; minus strand). Cytogenetic location: 11p11.2.
Variant type: single nucleotide variant.
Coding change: c.655-3C>G on transcript NM_000256.3 (MANE Select); 3 bases into the intron before coding-DNA position 655, C replaced by G.
Molecular consequence: intron variant.
Genome position (GRCh38, 1-based): chr11:47,348,544, G>C on the plus strand (C>G on the coding strand, the complement: MYBPC3 is on the minus strand). VCF-style: chr11-47348544-G-C. GRCh37 (hg19) VCF-style: chr11-47370095-G-C.
Identifiers: ClinVar variation 3400431 (VCV003400431.1).